The following is an entry in ClinVar:

NM_002230.4(JUP):c.329C>T (p.Ala110Val)

Gene: JUP (junction plakoglobin; minus strand). Cytogenetic location: 17q21.2.
Variant type: single nucleotide variant.
Coding change: c.329C>T on transcript NM_002230.4 (MANE Select); coding-DNA position 329, C replaced by T.
Protein change: p.Ala110Val; replaces alanine 110 with valine.
Molecular consequence: missense variant.
Genome position (GRCh38, 1-based): chr17:41,769,557, G>A on the plus strand (C>T on the coding strand, the complement: JUP is on the minus strand). VCF-style: chr17-41769557-G-A. GRCh37 (hg19) VCF-style: chr17-39925809-G-A.
Other names: c.329C>T, p.Ala110Val (NM_001352773.2, NM_001352774.2, NM_001352775.2 and 3 more transcripts); short protein forms A110V.
Identifiers: ClinVar variation 264370 (VCV000264370.15), dbSNP rs782770278, ClinGen allele CA8565522.
Genomic context (GRCh38, chr17:41,769,557, plus strand): 5'-AGATGCACAATGGCCGACTTGAGCAGCTGGGACGGCTCGGCCAGTCGCTGCAGGTTGGTG[G>A]CCTGCCCCTCCACCTGGGTGGCCAGCAGAAGCGAGCTGTCCTCGCCTGACACACCAGGGC-3'
Protein context (NP_002221.1, residues 100-120): LLLATQVEGQ[Ala110Val]TNLQRLAEPS

ClinVar aggregate classification (germline): Uncertain significance. Review status: criteria provided, multiple submitters, no conflicts (2 of 4 stars). 3 submissions from 3 submitters: Uncertain significance (3). Last evaluated 2023-05-24.

Conditions:
Naxos disease (NXD). Also called: CARDIOMYOPATHY, ARRHYTHMOGENIC RIGHT VENTRICULAR, WITH SKIN, HAIR, AND NAIL ABNORMALITIES; KERATOSIS PALMOPLANTARIS WITH ARRHYTHMOGENIC CARDIOMYOPATHY; MAL DE NAXOS; PALMOPLANTAR KERATODERMA WITH ARRHYTHMOGENIC RIGHT VENTRICULAR CARDIOMYOPATHY AND WOOLLY HAIR; WOOLLY HAIR, PALMOPLANTAR KERATODERMA, AND CARDIAC ABNORMALITIES. Identifiers: Orphanet 34217, MedGen C1832600, MONDO:0011017, OMIM 601214.
Arrhythmogenic right ventricular dysplasia 12. Also called: ARRHYTHMOGENIC RIGHT VENTRICULAR DYSPLASIA, FAMILIAL, 12. Identifiers: MedGen C1969081, MONDO:0012684, OMIM 611528.
Cardiomyopathy (CMYO). Also called: Cardiomyopathies. Identifiers: Orphanet 167848, MedGen C0878544, MONDO:0004994, HP:0001638. Inheritance: Various modes of inheritance.
Cardiovascular phenotype. Identifiers: MedGen CN230736.

Allele frequency attached by ClinVar (database versions not stated): ExAC below 0.00001; gnomAD exomes 0.00002; gnomAD 0.00003 and 0.00004; TOPMed 0.00003.
gnomAD v4.1: 64 of 1,607,964 alleles (0.004%); highest among the groups gnomAD compares: Middle Eastern, 0.016%; no homozygotes.

Submissions (3):

Labcorp Genetics (formerly Invitae), Labcorp
Classification: Uncertain significance for Arrhythmogenic right ventricular dysplasia 12; Naxos disease. Last evaluated: 2023-05-24. Review status: criteria provided, single submitter. Criteria: Invitae Variant Classification Sherloc (09022015). Collection method: clinical testing. Allele origin: germline.
Comment: In summary, the available evidence is currently insufficient to determine the role of this variant in disease. Therefore, it has been classified as a Variant of Uncertain Significance. An algorithm developed to predict the effect of missense changes on protein structure and function (PolyPhen-2) suggests that this variant¬† is likely to be tolerated. ClinVar contains an entry for this variant (Variation ID: 264370). This variant has not been reported in the literature in individuals affected with JUP-related conditions. The frequency data for this variant in the population databases is considered unreliable, as metrics indicate poor data quality at this position in the gnomAD database. This sequence change replaces alanine, which is neutral and non-polar, with valine, which is neutral and non-polar, at codon 110 of the JUP protein (p.Ala110Val).

CHEO Genetics Diagnostic Laboratory, Children's Hospital of Eastern Ontario
Classification: Uncertain significance for Cardiomyopathy. Last evaluated: 2021-09-23. Review status: criteria provided, single submitter. Criteria: ACMG Guidelines, 2015. Collection method: clinical testing. Allele origin: germline.

Ambry Genetics
Classification: Uncertain significance for Cardiovascular phenotype. Last evaluated: 2015-10-06. Review status: criteria provided, single submitter. Criteria: Ambry Variant Classification Scheme 2023. Collection method: clinical testing. Allele origin: germline.
Comment: The p.A110V variant (also known as c.329C>T), located in coding exon 2 of the JUP gene, results from a C to T substitution at nucleotide position 329. The alanine at codon 110 is replaced by valine, an amino acid with similar properties. This variant was not reported in population based cohorts in the following databases: Database of Single Nucleotide Polymorphisms (dbSNP), NHLBI Exome Sequencing Project (ESP), and 1000 Genomes Project. In the ESP, this variant was not observed in 6500 samples (13000 alleles) with coverage at this position. This amino acid position is poorly conserved in available vertebrate species. In addition, this alteration is predicted to be tolerated by in silico analysis. Since supporting evidence is limited at this time, the clinical significance of this variant remains unclear.